The following is an entry in ClinVar:

NM_005097.4(LGI1):c.519T>C (p.Asn173=)

Gene: LGI1 (leucine rich glioma inactivated 1; plus strand). Cytogenetic location: 10q23.33.
Variant type: single nucleotide variant.
Coding change: c.519T>C on transcript NM_005097.4 (MANE Select); coding-DNA position 519, T replaced by C.
Protein change: p.Asn173=; no amino-acid change (asparagine 173 retained).
Molecular consequence: synonymous variant. On other transcripts: non-coding transcript variant (1).
Genome position (GRCh38, 1-based): chr10:93,792,758, T>C. VCF-style: chr10-93792758-T-C. GRCh37 (hg19) VCF-style: chr10-95552515-T-C.
Other names: c.519T>C, p.Asn173= (NM_001308275.2); c.375T>C, p.Asn125= (NM_001308276.2).
Identifiers: ClinVar variation 129481 (VCV000129481.45), dbSNP rs587780379, ClinGen allele CA231231.

ClinVar aggregate classification (germline): Conflicting classifications of pathogenicity. Review status: criteria provided, conflicting classifications (1 of 4 stars). 3 submissions from 3 submitters: Uncertain significance (1); Likely benign (2). Last evaluated 2025-10-02.

Conditions:
Autosomal dominant epilepsy with auditory features. Identifiers: Orphanet 101046, MedGen C1838062, MONDO:0010898.

Allele frequency attached by ClinVar (database versions not stated): gnomAD exomes below 0.00001 and 0.00001; TOPMed below 0.00001; ExAC 0.00001.
gnomAD v4.1: 7 of 1,614,066 alleles (0.00043%); highest among the groups gnomAD compares: Admixed American, 0.0017%; no homozygotes.

Submissions (3):

Labcorp Genetics (formerly Invitae), Labcorp
Classification: Likely benign for Autosomal dominant epilepsy with auditory features. Last evaluated: 2025-10-02. Review status: criteria provided, single submitter. Criteria: Invitae Variant Classification Sherloc (09022015). Collection method: clinical testing. Allele origin: germline.

CeGaT Center for Human Genetics Tuebingen
Classification: Likely benign. Last evaluated: 2022-08-01. Review status: criteria provided, single submitter. Criteria: CeGaT Center For Human Genetics Tuebingen Variant Classification Criteria Version 2. Collection method: clinical testing. Allele origin: germline. Affected: yes. Observed: 2 variant alleles.
Comment: LGI1: BP4, BP7

Genetic Services Laboratory, University of Chicago
Classification: Uncertain significance. Last evaluated: 2013-08-27. Review status: criteria provided, single submitter. Criteria: ACMG Guidelines, 2007. Collection method: clinical testing. Allele origin: germline. Inheritance: Autosomal dominant inheritance.